The following is an entry in ClinVar:

NM_001845.6(COL4A1):c.3004G>A (p.Gly1002Ser)

Gene: COL4A1 (collagen type IV alpha 1 chain; minus strand). Cytogenetic location: 13q34.
Variant type: single nucleotide variant.
Coding change: c.3004G>A on transcript NM_001845.6 (MANE Select); coding-DNA position 3004, G replaced by A.
Protein change: p.Gly1002Ser; replaces glycine 1002 with serine.
Molecular consequence: missense variant.
Genome position (GRCh38, 1-based): chr13:110,176,478, C>T on the plus strand (G>A on the coding strand, the complement: COL4A1 is on the minus strand). VCF-style: chr13-110176478-C-T. GRCh37 (hg19) VCF-style: chr13-110828825-C-T.
Other names: short protein forms G1002S.
Identifiers: ClinVar variation 3660160 (VCV003660160.2).

ClinVar aggregate classification (germline): Likely pathogenic (1 of 4 stars; one submission).

Submission:

Labcorp Genetics (formerly Invitae), Labcorp
Classification: Likely pathogenic. Last evaluated: 2024-10-12. Review status: criteria provided, single submitter. Criteria: Invitae Variant Classification Sherloc (09022015). Collection method: clinical testing. Allele origin: germline.
Comment: This sequence change replaces glycine, which is neutral and non-polar, with serine, which is neutral and polar, at codon 1002 of the COL4A1 protein (p.Gly1002Ser). This variant is not present in population databases (gnomAD no frequency). This missense change has been observed in individual(s) with COL4A1-related conditions (internal data). Invitae Evidence Modeling of protein sequence and biophysical properties (such as structural, functional, and spatial information, amino acid conservation, physicochemical variation, residue mobility, and thermodynamic stability) indicates that this missense variant is expected to disrupt COL4A1 protein function with a positive predictive value of 95%. This variant disrupts the triple helix domain of COL4A1. Glycine residues within the Gly-Xaa-Yaa repeats of the triple helix domain are required for the structure and stability of fibrillar collagens (PMID: 7695699, 8218237, 19344236). In COL4A1 variants affecting these glycine residues are significantly enriched in individuals with disease (PMID: 9016532, 17078022) compared to the general population (ExAC). This variant disrupts the p.Gly1002 amino acid residue in COL4A1. Other variant(s) that disrupt this residue have been observed in individuals with COL4A1-related conditions (PMID: 24374867), which suggests that this may be a clinically significant amino acid residue. In summary, the currently available evidence indicates that the variant is pathogenic, but additional data are needed to prove that conclusively. Therefore, this variant has been classified as Likely Pathogenic.

Literature cited by the submitters: PubMed 7695699; PubMed 8218237; PubMed 19344236; PubMed 9016532; PubMed 17078022; PubMed 24374867.